The following is an entry in ClinVar:

ClinVar aggregate classification (germline): Uncertain significance (1 of 4 stars; one submission).

Conditions:
Pulmonary fibrosis and/or bone marrow failure, Telomere-related, 4. Also called: PULMONARY FIBROSIS AND/OR BONE MARROW FAILURE SYNDROME, TELOMERE-RELATED, 4. Identifiers: Orphanet 2032, MedGen C4225347, MONDO:0014612, OMIM 616371.
Dyskeratosis congenita, autosomal recessive 6 (DKCB6). Identifiers: MedGen C4225356, MONDO:0014600, OMIM 616353.

Submission:

Labcorp Genetics (formerly Invitae), Labcorp
Classification: Uncertain significance for Dyskeratosis congenita, autosomal recessive 6; Pulmonary fibrosis and/or bone marrow failure, Telomere-related, 4. Last evaluated: 2023-10-13. Review status: criteria provided, single submitter. Criteria: Invitae Variant Classification Sherloc (09022015). Collection method: clinical testing. Allele origin: germline.
Comment: This sequence change falls in intron 17 of the PARN gene. It does not directly change the encoded amino acid sequence of the PARN protein. It affects a nucleotide within the consensus splice site. This variant is not present in population databases (gnomAD no frequency). This variant has not been reported in the literature in individuals affected with PARN-related conditions. ClinVar contains an entry for this variant (Variation ID: 2100444). Variants that disrupt the consensus splice site are a relatively common cause of aberrant splicing (PMID: 17576681, 9536098). Algorithms developed to predict the effect of sequence changes on RNA splicing suggest that this variant is not likely to affect RNA splicing. In summary, the available evidence is currently insufficient to determine the role of this variant in disease. Therefore, it has been classified as a Variant of Uncertain Significance.

Literature cited by the submitters: PubMed 17576681; PubMed 9536098.

NM_002582.4(PARN):c.1192+5G>C

Gene: PARN (poly(A)-specific ribonuclease; minus strand). Cytogenetic location: 16p13.12.
Variant type: single nucleotide variant.
Coding change: c.1192+5G>C on transcript NM_002582.4 (MANE Select); 5 bases into the intron after coding-DNA position 1192, G replaced by C.
Molecular consequence: intron variant.
Genome position (GRCh38, 1-based): chr16:14,582,176, C>G on the plus strand (G>C on the coding strand, the complement: PARN is on the minus strand). VCF-style: chr16-14582176-C-G. GRCh37 (hg19) VCF-style: chr16-14676033-C-G.
Other names: c.1009+5G>C (NM_001134477.3); c.1054+5G>C (NM_001242992.2).
Identifiers: ClinVar variation 2100444 (VCV002100444.4), dbSNP rs144238272, ClinGen allele CA2580090718.
Genomic context (GRCh38, chr16:14,582,176, plus strand): 5'-CCAGGAGACAGGTAAGATCCACCCTAGATCACTGCGTGTTTGACTGAAAGACATGTAATG[C>G]GTACCTAGGTAATTGGCCATGGAGATGAAGCACAGCCCTGTGATGTAGGCATCGTAGCCT-3'